The following is an entry in ClinVar:

NM_021830.5(TWNK):c.1907C>T (p.Ala636Val)

Gene: TWNK (twinkle mtDNA helicase; plus strand). Cytogenetic location: 10q24.31.
Variant type: single nucleotide variant.
Coding change: c.1907C>T on transcript NM_021830.5 (MANE Select); coding-DNA position 1907, C replaced by T.
Protein change: p.Ala636Val; replaces alanine 636 with valine.
Molecular consequence: missense variant. On other transcripts: 3 prime UTR variant (2), non-coding transcript variant (5).
Genome position (GRCh38, 1-based): chr10:100,993,362, C>T. VCF-style: chr10-100993362-C-T. GRCh37 (hg19) VCF-style: chr10-102753119-C-T.
Other names: c.*202C>T (NM_001163812.2, NM_001163814.2); c.545C>T, p.Ala182Val (NM_001163813.2, NM_001368275.1); short protein forms A182V, A636V.
Identifiers: ClinVar variation 4708458 (VCV004708458.1).

ClinVar aggregate classification (germline): Uncertain significance (1 of 4 stars; one submission).

gnomAD v4.1: 2 of 1,614,216 alleles (0.00012%); highest among the groups gnomAD compares: Non-Finnish European, 0.000085%; no homozygotes.

Submission:

Labcorp Genetics (formerly Invitae), Labcorp
Classification: Uncertain significance. Last evaluated: 2025-04-11. Review status: criteria provided, single submitter. Criteria: Invitae Variant Classification Sherloc (09022015). Collection method: clinical testing. Allele origin: germline.
Comment: This sequence change replaces alanine, which is neutral and non-polar, with valine, which is neutral and non-polar, at codon 636 of the TWNK protein (p.Ala636Val). This variant is present in population databases (no rsID available, gnomAD 0.004%). This variant has not been reported in the literature in individuals affected with TWNK-related conditions. Invitae Evidence Modeling of protein sequence and biophysical properties (such as structural, functional, and spatial information, amino acid conservation, physicochemical variation, residue mobility, and thermodynamic stability) indicates that this missense variant is not expected to disrupt TWNK protein function with a negative predictive value of 95%. In summary, the available evidence is currently insufficient to determine the role of this variant in disease. Therefore, it has been classified as a Variant of Uncertain Significance.